The following is an entry in ClinVar:

ClinVar aggregate classification (germline): Pathogenic (1 of 4 stars; one submission).

Allele frequency attached by ClinVar (database versions not stated): gnomAD exomes below 0.00001.

Submission:

Labcorp Genetics (formerly Invitae), Labcorp
Classification: Pathogenic. Last evaluated: 2022-03-19. Review status: criteria provided, single submitter. Criteria: Invitae Variant Classification Sherloc (09022015). Collection method: clinical testing. Allele origin: germline.
Comment: This sequence change creates a premature translational stop signal (p.Ser90Valfs*12) in the CFI gene. It is expected to result in an absent or disrupted protein product. Loss-of-function variants in CFI are known to be pathogenic (PMID: 15917334, 16621965, 19065647, 20016463, 22710145). This variant is not present in population databases (gnomAD no frequency). This variant has not been reported in the literature in individuals affected with CFI-related conditions. For these reasons, this variant has been classified as Pathogenic.

Literature cited by the submitters: PubMed 15917334; PubMed 16621965; PubMed 19065647; PubMed 20016463; PubMed 22710145.

NM_000204.5(CFI):c.267del (p.Ser90fs)

Gene: CFI (complement factor I; minus strand). Cytogenetic location: 4q25.
Variant type: Deletion.
Coding change: c.267del on transcript NM_000204.5 (MANE Select); coding-DNA position 267, one base deleted (G; older notation c.267delG).
Protein change: p.Ser90fs; shifts the reading frame from serine 90.
Molecular consequence: frameshift variant. On other transcripts: non-coding transcript variant (3), intron variant (1).
Genome position (GRCh38, 1-based): chr4:109,766,615, C deleted on the plus strand (G on the coding strand, the reverse complement: CFI is on the minus strand). VCF-style (leftmost placement, unchanged base first): chr4-109766614-TC-T. GRCh37 (hg19) VCF-style: chr4-110687770-TC-T.
Other names: c.267del, p.Ser90fs (NM_001318057.2, NM_001331035.2, NM_001375278.1 and 5 more transcripts); c.-127-4923del (NM_001375284.1); short protein forms S90fs.
Identifiers: ClinVar variation 1455043 (VCV001455043.6), dbSNP rs2126224367, ClinGen allele CA2573137958.